The following is an entry in ClinVar:

ClinVar aggregate classification (germline): Uncertain significance. Review status: criteria provided, multiple submitters, no conflicts (2 of 4 stars). 2 submissions from 2 submitters: Uncertain significance (2). Last evaluated 2025-06-18.

gnomAD v4.1: 6 of 1,610,626 alleles (0.00037%); highest among the groups gnomAD compares: East Asian, 0.013%; no homozygotes.

Submissions (2):

Mayo Clinic Laboratories, Mayo Clinic
Classification: Uncertain significance. Last evaluated: 2025-06-18. Review status: criteria provided, single submitter. Criteria: ACMG Guidelines, 2015. Collection method: clinical testing. Allele origin: germline. Observed: 1 variant allele.
Comment: BP4_moderate

GeneDx
Classification: Uncertain significance. Last evaluated: 2024-06-11. Review status: criteria provided, single submitter. Criteria: GeneDx Variant Classification Process June 2021. Collection method: clinical testing. Allele origin: germline. Affected: yes.
Comment: Has not been previously published as pathogenic or benign to our knowledge; Not observed at significant frequency in large population cohorts (gnomAD); In silico analysis indicates that this missense variant does not alter protein structure/function

NM_001365276.2(TNXB):c.7162G>A (p.Val2388Met)

Gene: TNXB (tenascin XB; minus strand). Cytogenetic location: 6p21.33.
Variant type: single nucleotide variant.
Coding change: c.7162G>A on transcript NM_001365276.2 (MANE Select); coding-DNA position 7162, G replaced by A.
Protein change: p.Val2388Met; replaces valine 2388 with methionine.
Molecular consequence: missense variant.
Genome position (GRCh38, 1-based): chr6:32,062,163, C>T on the plus strand (G>A on the coding strand, the complement: TNXB is on the minus strand). VCF-style: chr6-32062163-C-T. GRCh37 (hg19) VCF-style: chr6-32029940-C-T.
Other names: p.Val2388Met; c.7903G>A, p.Val2635Met (NM_001428335.1); c.7162G>A, p.Val2388Met (NM_019105.8); short protein forms V2388M, V2635M.
Identifiers: ClinVar variation 3390823 (VCV003390823.2).
Genomic context (GRCh38, chr6:32,062,163, plus strand): 5'-CAAGAGGGTGACCCTCCCATGGCTCCCACCCTGGGGCTCCCATCGTCCACTCACCTGTCA[C>T]CCCGATGGCAGACACGGGGCCCACACGCTGGCCACCGTGGAAGCCGTACAGGTTCATCTT-3'
Protein context (NP_001352205.1, residues 2378-2398): QRVGPVSAIG[Val2388Met]TAAEEETPSP